The following is an entry in ClinVar:

NM_001429.4(EP300):c.729+8C>T

Gene: EP300 (EP300 lysine acetyltransferase; plus strand). Cytogenetic location: 22q13.2.
Variant type: single nucleotide variant.
Coding change: c.729+8C>T on transcript NM_001429.4 (MANE Select); 8 bases into the intron after coding-DNA position 729, C replaced by T.
Molecular consequence: intron variant.
Genome position (GRCh38, 1-based): chr22:41,117,829, C>T. VCF-style: chr22-41117829-C-T. GRCh37 (hg19) VCF-style: chr22-41513833-C-T.
Other names: c.729+8C>T (NM_001429.3, NM_001362843.2).
Identifiers: ClinVar variation 2965660 (VCV002965660.4), dbSNP rs751025845, ClinGen allele CA10252312.

ClinVar aggregate classification (germline): Likely benign. Review status: criteria provided, single submitter (1 of 4 stars). 2 submissions from 2 submitters: Likely benign (1). 1 of the submissions does not count toward it. Last evaluated 2023-05-01.

Conditions:
Rubinstein-Taybi syndrome due to EP300 haploinsufficiency. Also called: EP300-Related Rubinstein-Taybi Syndrome; RUBINSTEIN-TAYBI SYNDROME 2. Identifiers: Orphanet 353284, Orphanet 783, MedGen C3150941, MONDO:0013364, OMIM 613684.
EP300-related disorder. Also called: EP300-related condition; EP300-related disorders.

Allele frequency attached by ClinVar (database versions not stated): ExAC 0.00001; gnomAD 0.00001; gnomAD exomes 0.00002.
gnomAD v4.1: 34 of 1,613,480 alleles (0.0021%); highest among the groups gnomAD compares: Non-Finnish European, 0.0028%; no homozygotes.

Submissions (2):

Labcorp Genetics (formerly Invitae), Labcorp
Classification: Likely benign for Rubinstein-Taybi syndrome due to EP300 haploinsufficiency. Last evaluated: 2023-05-01. Review status: criteria provided, single submitter. Criteria: Invitae Variant Classification Sherloc (09022015). Collection method: clinical testing. Allele origin: germline.

PreventionGenetics, part of Exact Sciences
Classification: Likely benign for EP300-related condition. Last evaluated: 2024-02-29. Review status: no assertion criteria provided. Collection method: clinical testing. Allele origin: germline. Not counted in ClinVar's aggregate classification.
Comment: This variant is classified as likely benign based on ACMG/AMP sequence variant interpretation guidelines (Richards et al. 2015 PMID: 25741868, with internal and published modifications).